The following is an entry in ClinVar:

ClinVar aggregate classification (germline): Uncertain significance (1 of 4 stars; one submission).

Submission:

Labcorp Genetics (formerly Invitae), Labcorp
Classification: Uncertain significance. Last evaluated: 2022-12-07. Review status: criteria provided, single submitter. Criteria: Invitae Variant Classification Sherloc (09022015). Collection method: clinical testing. Allele origin: germline.
Comment: In summary, the available evidence is currently insufficient to determine the role of this variant in disease. Therefore, it has been classified as a Variant of Uncertain Significance. Experimental studies and prediction algorithms are not available or were not evaluated, and the effect of this variant on mRNA splicing is currently unknown. This variant has not been reported in the literature in individuals affected with DIP2C-related conditions. Information on the frequency of this variant in the gnomAD database is not available, as this variant may be reported differently in the database. This sequence change falls in intron 5 of the DIP2C gene. It does not directly change the encoded amino acid sequence of the DIP2C protein.

NM_014974.3(DIP2C):c.604+16_604+17delinsAC

Gene: DIP2C (DIP2 acetate--CoA ligase C (putative); minus strand). Cytogenetic location: 10p15.3.
Variant type: Indel.
Coding change: c.604+16_604+17delinsAC on transcript NM_014974.3 (MANE Select); bases 16 to 17 of the intron after coding-DNA position 604, GG replaced by AC.
Molecular consequence: intron variant.
Genome position (GRCh38, 1-based): chr10:422,807-422,808, CC replaced by GT on the plus strand (GG replaced by AC on the coding strand, the reverse complement: DIP2C is on the minus strand). VCF-style: chr10-422807-CC-GT. GRCh37 (hg19) VCF-style: chr10-468747-CC-GT.
Identifiers: ClinVar variation 2789356 (VCV002789356.3), dbSNP rs2540941342, ClinGen allele CA2739265275.